The following is an entry in ClinVar:

NM_001042492.3(NF1):c.1185+6A>T

Gene: NF1 (neurofibromin 1; plus strand). Cytogenetic location: 17q11.2.
Variant type: single nucleotide variant.
Coding change: c.1185+6A>T on transcript NM_001042492.3 (MANE Select); 6 bases into the intron after coding-DNA position 1185, A replaced by T.
Molecular consequence: intron variant.
Genome position (GRCh38, 1-based): chr17:31,201,165, A>T. VCF-style: chr17-31201165-A-T. GRCh37 (hg19) VCF-style: chr17-29528183-A-T.
Other names: c.1185+6A>T (NM_000267.4, NM_001128147.3).
Identifiers: ClinVar variation 2036928 (VCV002036928.4), dbSNP rs2544797617, ClinGen allele CA2580092947.
Genomic context (GRCh38, chr17:31,201,165, plus strand): 5'-TGACTGCCTTGTTTCTTGCTTTCGTATAAGCCCTCACAACAACCAACACTTTAAGGTGAG[A>T]GCATTGGTTTTTATCTAACTATATTTACTGATGCTGTTATCCTTTATAAACAAAAAGACT-3'

ClinVar aggregate classification (germline): Uncertain significance (1 of 4 stars; one submission).

Conditions:
Neurofibromatosis, type 1 (NF1). Also called: VON RECKLINGHAUSEN DISEASE; NEUROFIBROMATOSIS, TYPE I, SOMATIC; Neurofibromatosis, type I; Peripheral type neurofibromatosis. Identifiers: Orphanet 636, MedGen C0027831, MONDO:0018975, OMIM 162200. Disease mechanism: loss of function.

gnomAD v4.1: 1 of 1,614,038 alleles (0.000062%); highest among the groups gnomAD compares: Non-Finnish European, 0.000085%; no homozygotes.

Submission:

Labcorp Genetics (formerly Invitae), Labcorp
Classification: Uncertain significance for Neurofibromatosis, type 1. Last evaluated: 2022-10-27. Review status: criteria provided, single submitter. Criteria: Invitae Variant Classification Sherloc (09022015). Collection method: clinical testing. Allele origin: germline.
Comment: In summary, the available evidence is currently insufficient to determine the role of this variant in disease. Therefore, it has been classified as a Variant of Uncertain Significance. Variants that disrupt the consensus splice site are a relatively common cause of aberrant splicing (PMID: 17576681, 9536098). Algorithms developed to predict the effect of sequence changes on RNA splicing suggest that this variant is not likely to affect RNA splicing. This variant has not been reported in the literature in individuals affected with NF1-related conditions. This variant is not present in population databases (gnomAD no frequency). This sequence change falls in intron 10 of the NF1 gene. It does not directly change the encoded amino acid sequence of the NF1 protein. It affects a nucleotide within the consensus splice site.

Literature cited by the submitters: PubMed 17576681; PubMed 9536098.